The following is an entry in ClinVar:

ClinVar aggregate classification (germline): Uncertain significance (1 of 4 stars; one submission).

Conditions:
Glycogen storage disease, type II (IOPD). Also called: Pompe Disease; CARDIOMEGALIA GLYCOGENICA DIFFUSA; GLYCOGENOSIS, GENERALIZED, CARDIAC FORM; GSD II; POMPE DISEASE, INFANTILE-ONSET; GLYCOGEN STORAGE DISEASE II, INFANTILE-ONSET. Identifiers: Orphanet 365, MedGen C0017921, MONDO:0009290, OMIM 232300.

Submission:

Genomenon, Inc
Classification: Uncertain significance for Glycogen storage disease, type II. Last evaluated: 2026-07-01. Review status: criteria provided, single submitter. Criteria: Genomenon Sequence Variant Interpretation Standards - Updated. Collection method: curation. Allele origin: germline. Affected: no.
Comment: GAA p.Pro361Gln (c.1082C>A) is a missense variant that changes the amino acid at codon 361 from Proline to Glutamine. This variant has been reported in the published literature (PMID:34922579;33073027;31076647). It is absent or not present at a significant frequency in gnomAD. In silico models predict that this variant is possibly or probably damaging. In conclusion, we classify GAA p.Pro361Gln (c.1082C>A) as a variant of uncertain significance.

Literature cited by the submitters: PubMed 34922579; PubMed 33073027; PubMed 31076647.

NM_000152.5(GAA):c.1082C>A (p.Pro361Gln)

Gene: GAA (alpha glucosidase; plus strand). Cytogenetic location: 17q25.3.
Variant type: single nucleotide variant.
Coding change: c.1082C>A on transcript NM_000152.5 (MANE Select); coding-DNA position 1082, C replaced by A.
Protein change: p.Pro361Gln; replaces proline 361 with glutamine.
Molecular consequence: missense variant.
Genome position (GRCh38, 1-based): chr17:80,108,495, C>A. VCF-style: chr17-80108495-C-A. GRCh37 (hg19) VCF-style: chr17-78082294-C-A.
Other names: c.1082C>A, p.Pro361Gln (NM_001079803.3, NM_001079804.3, NM_001406741.1 and 1 more transcripts); short protein forms P361Q.
Identifiers: ClinVar variation 4876629 (VCV004876629.1).